The following is an entry in ClinVar:

ClinVar aggregate classification (germline): Likely pathogenic (1 of 4 stars; one submission).

Conditions:
Achromatopsia 7 (ACHM7). Identifiers: Orphanet 49382, MedGen C4225297, MONDO:0014677, OMIM 616517.

gnomAD v4.1: 3 of 1,611,864 alleles (0.00019%); highest among the groups gnomAD compares: South Asian, 0.0033%; no homozygotes.

Submission:

Juno Genomics, Hangzhou Juno Genomics, Inc
Classification: Likely pathogenic for Achromatopsia 7. Review status: criteria provided, single submitter. Criteria: ACMG Guidelines, 2015. Collection method: clinical testing. Allele origin: germline.
Comment: Null variant in a gene where loss of function (LOF) is a known mechanism of disease.;Absent from controls (or at extremely low frequency if recessive) in Genome Aggregation Database.

NM_007348.4(ATF6):c.1635T>G (p.Tyr545Ter)

Gene: ATF6 (activating transcription factor 6; plus strand). Cytogenetic location: 1q23.3.
Variant type: single nucleotide variant.
Coding change: c.1635T>G on transcript NM_007348.4 (MANE Select); coding-DNA position 1635, T replaced by G.
Protein change: p.Tyr545Ter; replaces tyrosine 545 with a stop codon.
Molecular consequence: nonsense.
Genome position (GRCh38, 1-based): chr1:161,863,228, T>G. VCF-style: chr1-161863228-T-G. GRCh37 (hg19) VCF-style: chr1-161833018-T-G.
Other names: c.1632T>G, p.Tyr544Ter (NM_001410890.1); c.1692T>G, p.Tyr564Ter (NM_001437597.1); short protein forms Y544*, Y564*, Y545*.
Identifiers: ClinVar variation 5005147 (VCV005005147.2).